The following is an entry in ClinVar:

NM_022166.4(XYLT1):c.2502G>C (p.Glu834Asp)

Gene: XYLT1 (xylosyltransferase 1; minus strand). Cytogenetic location: 16p12.3.
Variant type: single nucleotide variant.
Coding change: c.2502G>C on transcript NM_022166.4 (MANE Select); coding-DNA position 2502, G replaced by C.
Protein change: p.Glu834Asp; replaces glutamic acid 834 with aspartic acid.
Molecular consequence: missense variant.
Genome position (GRCh38, 1-based): chr16:17,117,701, C>G on the plus strand (G>C on the coding strand, the complement: XYLT1 is on the minus strand). VCF-style: chr16-17117701-C-G. GRCh37 (hg19) VCF-style: chr16-17211558-C-G.
Other names: short protein forms E834D.
Identifiers: ClinVar variation 1351950 (VCV001351950.3), dbSNP rs145244421, ClinGen allele CA7927568.

ClinVar aggregate classification (germline): Uncertain significance (1 of 4 stars; one submission).

Conditions:
Desbuquois dysplasia 1 (DBQD1). Also called: MICROMELIC DWARFISM WITH VERTEBRAL AND METAPHYSEAL ABNORMALITIES AND ADVANCED CARPOTARSAL OSSIFICATION; DESBUQUOIS DYSPLASIA 1, KIM VARIANT. Identifiers: Orphanet 1425, MedGen C4012146, MONDO:0009629, OMIM 251450.

Allele frequency attached by ClinVar (database versions not stated): gnomAD exomes 0.00012; ExAC 0.00016; gnomAD 0.00048 and 0.00051; 1000 Genomes Project 0.00060; ESP Exome Variant Server 0.00062; 1000 Genomes Project 30x 0.00078.
gnomAD v4.1: 135 of 1,614,138 alleles (0.0084%); highest among the groups gnomAD compares: African/African-American, 0.17%; 1 homozygote.

Submission:

Labcorp Genetics (formerly Invitae), Labcorp
Classification: Uncertain significance for Desbuquois dysplasia 1. Last evaluated: 2022-07-06. Review status: criteria provided, single submitter. Criteria: Invitae Variant Classification Sherloc (09022015). Collection method: clinical testing. Allele origin: germline.
Comment: This sequence change replaces glutamic acid, which is acidic and polar, with aspartic acid, which is acidic and polar, at codon 834 of the XYLT1 protein (p.Glu834Asp). This variant is present in population databases (rs145244421, gnomAD 0.1%). This variant has not been reported in the literature in individuals affected with XYLT1-related conditions. ClinVar contains an entry for this variant (Variation ID: 1351950). Algorithms developed to predict the effect of missense changes on protein structure and function are either unavailable or do not agree on the potential impact of this missense change (SIFT: "Tolerated"; PolyPhen-2: "Probably Damaging"; Align-GVGD: "Class C0"). In summary, the available evidence is currently insufficient to determine the role of this variant in disease. Therefore, it has been classified as a Variant of Uncertain Significance.